The following is an entry in ClinVar:

NM_001130009.3(GEN1):c.815A>G (p.Asp272Gly)

Gene: GEN1 (GEN1 structure-specific endonuclease; plus strand). Cytogenetic location: 2p24.2.
Variant type: single nucleotide variant.
Coding change: c.815A>G on transcript NM_001130009.3 (MANE Select); coding-DNA position 815, A replaced by G.
Protein change: p.Asp272Gly; replaces aspartic acid 272 with glycine.
Molecular consequence: missense variant.
Genome position (GRCh38, 1-based): chr2:17,772,646, A>G. VCF-style: chr2-17772646-A-G. GRCh37 (hg19) VCF-style: chr2-17953913-A-G.
Other names: c.815A>G, p.Asp272Gly (NM_182625.5); short protein forms D272G.
Identifiers: ClinVar variation 5022287 (VCV005022287.1).
Genomic context (GRCh38, chr2:17,772,646, plus strand): 5'-AATTATAAAAGGCAAAAAATATTATACTTTTTTTGGGTCTCCATAAAGGTTCACCTAAGG[A>G]TCATGAACGTAATGGATGCAGATTATGTAAAAGTGATAAATATTGTGAGCCACATGACTA-3'
Protein context (NP_001123481.3, residues 262-282): SVCSHPGSPK[Asp272Gly]HERNGCRLCK

ClinVar aggregate classification (germline): Uncertain significance (1 of 4 stars; one submission).

Submission:

Ambry Genetics
Classification: Uncertain significance. Last evaluated: 2026-06-28. Review status: criteria provided, single submitter. Criteria: Ambry Variant Classification Scheme 2023. Collection method: clinical testing. Allele origin: germline.
Comment: The p.D272G variant (also known as c.815A>G), located in coding exon 7 of the GEN1 gene, results from an A to G substitution at nucleotide position 815. The aspartic acid at codon 272 is replaced by glycine, an amino acid with similar properties. This amino acid position is conserved. In addition, this alteration is predicted to be tolerated by in silico analysis. Based on the available evidence, the clinical significance of this variant remains unclear.